The following is an entry in ClinVar:

NM_001363.5(DKC1):c.838A>C (p.Ser280Arg)

Gene: DKC1 (dyskerin pseudouridine synthase 1; plus strand). Cytogenetic location: Xq28.
Variant type: single nucleotide variant.
Coding change: c.838A>C on transcript NM_001363.5 (MANE Select); coding-DNA position 838, A replaced by C.
Protein change: p.Ser280Arg; replaces serine 280 with arginine.
Molecular consequence: missense variant. On other transcripts: non-coding transcript variant (3).
Genome position (GRCh38, 1-based): chrX:154,769,233, A>C. VCF-style: chrX-154769233-A-C. GRCh37 (hg19) VCF-style: chrX-153997508-A-C.
Other names: c.838A>C, p.Ser280Arg (NM_001142463.3, NM_001288747.2); short protein forms S280R.
Identifiers: ClinVar variation 38952 (VCV000038952.53), dbSNP rs146700772, ClinGen allele CA343247.

ClinVar aggregate classification (germline): Conflicting classifications of pathogenicity. Review status: criteria provided, conflicting classifications (1 of 4 stars). 15 submissions from 15 submitters: Uncertain significance (1); Benign (4); Likely benign (5). 5 of the submissions do not count toward it. Last evaluated 2026-06-01.

Conditions:
DKC1-related disorder. Also called: DKC1-related condition. Identifiers: MedGen CN294808, MONDO:0100152.
Dyskeratosis congenita. Identifiers: Orphanet 1775, MedGen C0265965, MONDO:0015780.
Dyskeratosis congenita, X-linked (DKCX). Also called: Zinsser-Cole-Engman Syndrome. Identifiers: MedGen C1148551, MONDO:0010584, OMIM 305000.

Allele frequency attached by ClinVar (database versions not stated): ESP Exome Variant Server 0.00019; TOPMed 0.00020; gnomAD 0.00027 and 0.00028; gnomAD exomes 0.00027; ExAC 0.00032.
gnomAD v4.1: 432 of 1,208,959 alleles (0.036%); highest among the groups gnomAD compares: Middle Eastern, 0.046%; no homozygotes.

Submissions (15):

CeGaT Center for Human Genetics Tuebingen
Classification: Likely benign. Last evaluated: 2026-06-01. Review status: criteria provided, single submitter. Criteria: CeGaT Center For Human Genetics Tuebingen Variant Classification Criteria Version 2. Collection method: clinical testing. Allele origin: germline. Affected: yes. Observed: 6 variant alleles.
Comment: DKC1: PP2, BS2

Labcorp Genetics (formerly Invitae), Labcorp
Classification: Benign for Dyskeratosis congenita. Last evaluated: 2026-01-28. Review status: criteria provided, single submitter. Criteria: Invitae Variant Classification Sherloc (09022015). Collection method: clinical testing. Allele origin: germline.

Dasa
Classification: Uncertain significance. Last evaluated: 2025-03-01. Review status: criteria provided, single submitter. Criteria: DASA Assertion Criteria. Collection method: clinical testing. Allele origin: germline.
Comment: NM_001363.5(DKC1):c.838A>C (p.Ser280Arg) is a missense variant that results in the substitution of serine with arginine. This variant is rare in population databases. Computational prediction algorithms are consistent with a deleterious effect. The currently available literature and clinical evidence are not sufficient to establish a definitive association between this variant and the reported condition. Therefore, this variant is classified as a variant of uncertain significance.

Laboratory of Genetics, Children's Clinical University Hospital Latvia
Classification: Likely benign. Last evaluated: 2025-02-16. Review status: criteria provided, single submitter. Criteria: ACMG Guidelines, 2015. Collection method: clinical testing. Allele origin: germline. Affected: yes.

Blueprint Genetics
Classification: Likely benign. Last evaluated: 2024-11-04. Review status: criteria provided, single submitter. Criteria: ACMG Guidelines, 2015. Collection method: clinical testing. Allele origin: germline.

Ambry Genetics
Classification: Benign for Dyskeratosis congenita. Last evaluated: 2022-08-26. Review status: criteria provided, single submitter. Criteria: Ambry Variant Classification Scheme 2023. Collection method: clinical testing. Allele origin: germline.

Fulgent Genetics
Classification: Benign for Dyskeratosis congenita, X-linked. Last evaluated: 2022-04-07. Review status: criteria provided, single submitter. Criteria: ACMG Guidelines, 2015. Collection method: clinical testing. Allele origin: unknown.

Victorian Clinical Genetics Services, Murdoch Childrens Research Institute
Classification: Likely benign for Dyskeratosis congenita, X-linked. Last evaluated: 2022-02-02. Review status: criteria provided, single submitter. Criteria: ACMG Guidelines, 2015. Collection method: clinical testing. Allele origin: germline. Inheritance: X-linked recessive inheritance.
Comment: Based on the classification scheme VCGS_Germline_v1.3.4, this variant is classified as likely benign. Following criteria are met: 0308 - Population frequency for this variant is out of keeping with known incidence of X-linked recessive dyskeratosis congenita (MIM#305000). (SB) Legend: (SP) - Supporting pathogenic, (I) - Information, (SB) - Supporting benign

Sema4
Classification: Likely benign for Dyskeratosis congenita. Last evaluated: 2021-11-15. Review status: criteria provided, single submitter. Criteria: Sema4 Curation Guidelines. Collection method: curation. Allele origin: germline.

Breakthrough Genomics
Classification: Benign. Review status: criteria provided, single submitter. Criteria: ACMG Guidelines, 2015. Collection method: not provided. Allele origin: germline. Inheritance: X-linked inheritance. Affected: yes.

PreventionGenetics, part of Exact Sciences
Classification: Likely benign for DKC1-related condition. Last evaluated: 2021-05-21. Review status: no assertion criteria provided. Collection method: clinical testing. Allele origin: germline. Not counted in ClinVar's aggregate classification.
Comment: This variant is classified as likely benign based on ACMG/AMP sequence variant interpretation guidelines (Richards et al. 2015 PMID: 25741868, with internal and published modifications).

Clinical Genetics DNA and cytogenetics Diagnostics Lab, Erasmus MC, Erasmus Medical Center
Classification: Uncertain significance. Review status: no assertion criteria provided. Collection method: clinical testing. Allele origin: germline. Affected: yes. Study: VKGL Data-share Consensus. Not counted in ClinVar's aggregate classification.

GeneReviews
No classification provided. Condition: Dyskeratosis congenita, X-linked. Review status: no classification provided. Collection method: literature only. Allele origin: unknown. Not counted in ClinVar's aggregate classification.

Joint Genome Diagnostic Labs from Nijmegen and Maastricht, Radboudumc and MUMC+
Classification: Uncertain significance. Review status: no assertion criteria provided. Collection method: clinical testing. Allele origin: germline. Affected: yes. Study: VKGL Data-share Consensus. Not counted in ClinVar's aggregate classification.

Laboratory of Diagnostic Genome Analysis, Leiden University Medical Center (LUMC)
Classification: Uncertain significance. Review status: no assertion criteria provided. Collection method: clinical testing. Allele origin: germline. Affected: yes. Study: VKGL Data-share Consensus. Not counted in ClinVar's aggregate classification.

Literature cited by the submitters: PubMed 11379875 (cited by Sema4); PubMed 31268371 (cited by Sema4); PubMed 27622320 (cited by Sema4); PubMed 29921932 (cited by Sema4); PubMed 29625052 (cited by Sema4); PubMed 32126783 (cited by Sema4); PubMed 20008900 (cited by Sema4); PubMed 20301779 (cited by GeneReviews); NCBI Bookshelf NBK22301 (cited by GeneReviews).